The following is an entry in ClinVar:

NM_007294.4(BRCA1):c.2402G>T (p.Cys801Phe)

Gene: BRCA1 (BRCA1 DNA repair associated; minus strand). Cytogenetic location: 17q21.31.
Variant type: single nucleotide variant.
Coding change: c.2402G>T on transcript NM_007294.4 (MANE Select); coding-DNA position 2402, G replaced by T.
Protein change: p.Cys801Phe; replaces cysteine 801 with phenylalanine.
Molecular consequence: missense variant. On other transcripts: intron variant (137).
Genome position (GRCh38, 1-based): chr17:43,093,129, C>A on the plus strand (G>T on the coding strand, the complement: BRCA1 is on the minus strand). VCF-style: chr17-43093129-C-A. GRCh37 (hg19) VCF-style: chr17-41245146-C-A.
Other names: c.2258G>T, p.Cys753Phe (NM_001407843.1, NM_001407844.1, NM_001407845.1 and 20 more transcripts); c.2261G>T, p.Cys754Phe (NM_001407851.1, NM_001407852.1, NM_001407850.1 and 29 more transcripts); c.2189G>T, p.Cys730Phe (NM_001407571.1, NM_001407853.1, NM_001407894.1 and 9 more transcripts); c.2402G>T, p.Cys801Phe (NM_001407581.1, NM_001407582.1, NM_001407583.1 and 30 more transcripts); c.2399G>T, p.Cys800Phe (NM_001407587.1, NM_001407590.1, NM_001407591.1 and 22 more transcripts); c.2393G>T, p.Cys798Phe (NM_001407646.1, NM_001407647.1); c.2279G>T, p.Cys760Phe (NM_001407648.1, NM_001407664.1, NM_001407665.1 and 19 more transcripts); c.2276G>T, p.Cys759Phe (NM_001407649.1, NM_001407670.1, NM_001407671.1 and 11 more transcripts); and 41 more; short protein forms C801F, C754F, C633F, C713F, C775F, C712F, C730F, C733F.
Identifiers: ClinVar variation 923426 (VCV000923426.7), dbSNP rs1567795821, ClinGen allele CA10597202.

ClinVar aggregate classification (germline): Conflicting classifications of pathogenicity. Review status: criteria provided, conflicting classifications (1 of 4 stars). 3 submissions from 3 submitters: Uncertain significance (2); Likely benign (1). Last evaluated 2023-05-30.

Conditions:
Hereditary cancer-predisposing syndrome. Also called: Neoplastic Syndromes, Hereditary; Tumor predisposition; Hereditary Cancer Syndrome; Hereditary neoplastic syndrome. Identifiers: Orphanet 140162, MedGen C0027672, MeSH D009386, MONDO:0015356.

gnomAD v4.1: 9 of 1,613,580 alleles (0.00056%); highest among the groups gnomAD compares: Non-Finnish European, 0.00076%; no homozygotes.

Submissions (3):

Ambry Genetics
Classification: Uncertain significance for Hereditary cancer-predisposing syndrome. Last evaluated: 2023-05-30. Review status: criteria provided, single submitter. Criteria: Ambry Variant Classification Scheme 2023. Collection method: clinical testing. Allele origin: germline.
Comment: The p.C801F variant (also known as c.2402G>T), located in coding exon 9 of the BRCA1 gene, results from a G to T substitution at nucleotide position 2402. The cysteine at codon 801 is replaced by phenylalanine, an amino acid with highly dissimilar properties. This amino acid position is not well conserved in available vertebrate species. In addition, the in silico prediction for this alteration is inconclusive. Since supporting evidence is limited at this time, the clinical significance of this alteration remains unclear.

University of Washington Department of Laboratory Medicine, University of Washington
Classification: Likely benign for Hereditary cancer-predisposing syndrome. Last evaluated: 2023-03-23. Review status: criteria provided, single submitter. Criteria: Dines et al. (Genet Med. 2020). Collection method: curation. Allele origin: germline.
Comment: Missense variant in a coldspot region where missense variants are very unlikely to be pathogenic (PMID:31911673).

BRCA1 coldspot (exon 11 using historical exon numbering). Reclassification based on statistical prior probability

Color Diagnostics, LLC DBA Color Health
Classification: Uncertain significance for Hereditary cancer-predisposing syndrome. Last evaluated: 2019-04-03. Review status: criteria provided, single submitter. Criteria: ACMG Guidelines, 2015. Collection method: clinical testing. Allele origin: germline.